The following is an entry in ClinVar:

ClinVar aggregate classification (germline): Uncertain significance (1 of 4 stars; one submission).

Submission:

GeneDx
Classification: Uncertain significance. Last evaluated: 2023-03-25. Review status: criteria provided, single submitter. Criteria: GeneDx Variant Classification Process June 2021. Collection method: clinical testing. Allele origin: germline. Affected: yes.
Comment: Not observed at significant frequency in large population cohorts (gnomAD); In silico analysis supports that this missense variant does not alter protein structure/function; Has not been previously published as pathogenic or benign to our knowledge

NM_006218.4(PIK3CA):c.2618A>G (p.Asn873Ser)

Gene: PIK3CA (phosphatidylinositol-4,5-bisphosphate 3-kinase catalytic subunit alpha; plus strand). Cytogenetic location: 3q26.32.
Variant type: single nucleotide variant.
Coding change: c.2618A>G on transcript NM_006218.4 (MANE Select); coding-DNA position 2618, A replaced by G.
Protein change: p.Asn873Ser; replaces asparagine 873 with serine.
Molecular consequence: missense variant.
Genome position (GRCh38, 1-based): chr3:179,229,394, A>G. VCF-style: chr3-179229394-A-G. GRCh37 (hg19) VCF-style: chr3-178947182-A-G.
Other names: short protein forms N873S.
Identifiers: ClinVar variation 2582020 (VCV002582020.1), dbSNP rs74427133, ClinGen allele CA355278647.
Genomic context (GRCh38, chr3:179,229,394, plus strand): 5'-ATTCTCACACTATTATGCAAATTCAGTGCAAAGGCGGCTTGAAAGGTGCACTGCAGTTCA[A>G]CAGCCACACACTACATCAGTGGCTCAAAGACAAGAACAAAGGAGAAATGTGAGTTGTATT-3'
Protein context (NP_006209.2, residues 863-883): KGGLKGALQF[Asn873Ser]SHTLHQWLKD